The following is an entry in ClinVar:

NM_001845.6(COL4A1):c.223C>G (p.Pro75Ala)

Gene: COL4A1 (collagen type IV alpha 1 chain; minus strand). Cytogenetic location: 13q34.
Variant type: single nucleotide variant.
Coding change: c.223C>G on transcript NM_001845.6 (MANE Select); coding-DNA position 223, C replaced by G.
Protein change: p.Pro75Ala; replaces proline 75 with alanine.
Molecular consequence: missense variant.
Genome position (GRCh38, 1-based): chr13:110,213,937, G>C on the plus strand (C>G on the coding strand, the complement: COL4A1 is on the minus strand). VCF-style: chr13-110213937-G-C. GRCh37 (hg19) VCF-style: chr13-110866284-G-C.
Other names: c.223C>G, p.Pro75Ala (NM_001303110.2); short protein forms P75A.
Identifiers: ClinVar variation 2127252 (VCV002127252.4), dbSNP rs2501607780, ClinGen allele CA388727035.

ClinVar aggregate classification (germline): Uncertain significance (1 of 4 stars; one submission).

Submission:

Labcorp Genetics (formerly Invitae), Labcorp
Classification: Uncertain significance. Last evaluated: 2022-04-17. Review status: criteria provided, single submitter. Criteria: Invitae Variant Classification Sherloc (09022015). Collection method: clinical testing. Allele origin: germline.
Comment: This sequence change replaces proline, which is neutral and non-polar, with alanine, which is neutral and non-polar, at codon 75 of the COL4A1 protein (p.Pro75Ala). This variant is not present in population databases (gnomAD no frequency). This variant has not been reported in the literature in individuals affected with COL4A1-related conditions. Advanced modeling of protein sequence and biophysical properties (such as structural, functional, and spatial information, amino acid conservation, physicochemical variation, residue mobility, and thermodynamic stability) performed at Invitae indicates that this missense variant is not expected to disrupt COL4A1 protein function. In summary, the available evidence is currently insufficient to determine the role of this variant in disease. Therefore, it has been classified as a Variant of Uncertain Significance.